The following is an entry in ClinVar:

NM_005188.4(CBL):c.1220_1221del (p.Ser407fs)

Gene: CBL (Cbl proto-oncogene; plus strand). Cytogenetic location: 11q23.3.
Variant type: Deletion.
Coding change: c.1220_1221del on transcript NM_005188.4 (MANE Select); coding-DNA positions 1220 to 1221, 2 bases deleted (CC; older notation c.1220_1221delCC).
Protein change: p.Ser407fs; shifts the reading frame from serine 407.
Molecular consequence: frameshift variant.
Genome position (GRCh38, 1-based): chr11:119,278,290-119,278,291, CC deleted. VCF-style (leftmost placement, unchanged base first): chr11-119278289-TCC-T. GRCh37 (hg19) VCF-style: chr11-119148999-TCC-T.
Other names: short protein forms S407fs.
Identifiers: ClinVar variation 3647325 (VCV003647325.2).
Genomic context (GRCh38, chr11:119,278,289, plus strand): 5'-AATGATAAGGATGTAAAGATTGAGCCCTGTGGACACCTCATGTGCACATCCTGTCTTACA[TCC>T]TGGCAGGTACGGATCTAAACAGCGACTTTTTTCAGCTATGTAATAACCTTGGAAAATTCG-3'

ClinVar aggregate classification (germline): Uncertain significance (1 of 4 stars; one submission).

Conditions:
RASopathy. Also called: Noonan spectrum disorder; rasopathies. Identifiers: Orphanet 536391, MedGen C5555857, MONDO:0021060.

Submission:

Labcorp Genetics (formerly Invitae), Labcorp
Classification: Uncertain significance for RASopathy. Last evaluated: 2024-03-22. Review status: criteria provided, single submitter. Criteria: Invitae Variant Classification Sherloc (09022015). Collection method: clinical testing. Allele origin: germline.
Comment: This sequence change creates a premature translational stop signal (p.Ser407Leufs*15) in the CBL gene. It is expected to result in an absent or disrupted protein product. However, the current clinical and genetic evidence is not sufficient to establish whether loss-of-function variants in CBL cause disease. This variant is not present in population databases (gnomAD no frequency). This variant has not been reported in the literature in individuals affected with CBL-related conditions. In summary, the available evidence is currently insufficient to determine the role of this variant in disease. Therefore, it has been classified as a Variant of Uncertain Significance.